The following is an entry in ClinVar:

ClinVar aggregate classification (germline): Pathogenic/Likely pathogenic. Review status: criteria provided, multiple submitters, no conflicts (2 of 4 stars). 3 submissions from 3 submitters: Pathogenic (1); Likely pathogenic (2). Last evaluated 2024-06-18.

Conditions:
Peroxisome biogenesis disorder 3A (Zellweger). Also called: PEROXISOMAL BIOGENESIS DISORDER 3A (ZELLWEGER); Peroxisome biogenesis disorder 3A. Identifiers: Orphanet 912, MedGen C3553929, MONDO:0013927, OMIM 614859.
Peroxisome biogenesis disorder type 3B. Identifiers: Orphanet 44, Orphanet 772, MedGen C3550693, MONDO:0009959, OMIM 266510.

Submissions (3):

Fulgent Genetics
Classification: Likely pathogenic for Peroxisome biogenesis disorder type 3B; Peroxisome biogenesis disorder 3A (Zellweger). Last evaluated: 2024-06-18. Review status: criteria provided, single submitter. Criteria: ACMG Guidelines, 2015. Collection method: clinical testing. Allele origin: germline.

Labcorp Genetics (formerly Invitae), Labcorp
Classification: Pathogenic for Peroxisome biogenesis disorder 3A (Zellweger). Last evaluated: 2024-01-25. Review status: criteria provided, single submitter. Criteria: Invitae Variant Classification Sherloc (09022015). Collection method: clinical testing. Allele origin: germline.
Comment: This sequence change creates a premature translational stop signal (p.Leu192Hisfs*3) in the PEX12 gene. It is expected to result in an absent or disrupted protein product. Loss-of-function variants in PEX12 are known to be pathogenic (PMID: 9090384, 9632816, 21031596). This variant is not present in population databases (gnomAD no frequency). This variant has not been reported in the literature in individuals affected with PEX12-related conditions. For these reasons, this variant has been classified as Pathogenic.

Baylor Genetics
Classification: Likely pathogenic for Peroxisome biogenesis disorder 3A (Zellweger). Last evaluated: 2023-08-05. Review status: criteria provided, single submitter. Criteria: ACMG Guidelines, 2015. Collection method: clinical testing. Allele origin: unknown.

Literature cited by the submitters: PubMed 9090384 (cited by Labcorp Genetics (formerly Invitae), Labcorp); PubMed 9632816 (cited by Labcorp Genetics (formerly Invitae), Labcorp); PubMed 21031596 (cited by Labcorp Genetics (formerly Invitae), Labcorp).

NM_000286.3(PEX12):c.573_574dup (p.Leu192fs)

Gene: PEX12 (peroxisomal biogenesis factor 12; minus strand). Cytogenetic location: 17q12.
Variant type: Duplication.
Coding change: c.573_574dup on transcript NM_000286.3 (MANE Select); coding-DNA positions 573 to 574, 2 bases duplicated (AC; older notation c.573_574dupAC).
Protein change: p.Leu192fs; shifts the reading frame from leucine 192.
Molecular consequence: frameshift variant.
Genome position (GRCh38, 1-based): chr17:35,577,144-35,577,145, GT duplicated on the plus strand (AC on the coding strand, the reverse complement: PEX12 is on the minus strand); duplicating any 2 consecutive bases within chr17:35,577,144-35,577,146 gives the same sequence; the c. name uses the placement nearest the transcript's 3' end. VCF-style (leftmost placement, unchanged base first): chr17-35577143-A-AGT. GRCh37 (hg19) VCF-style: chr17-33904162-A-AGT.
Other names: short protein forms L192fs.
Identifiers: ClinVar variation 2677663 (VCV002677663.5), dbSNP rs2072790040, ClinGen allele CA983271410.
Genomic context (GRCh38, chr17:35,577,143, plus strand): 5'-TCCAGAGCTTGTATATCCTGAACTGTCAGTCGACCTAGCTGAACTCCAGCCAGCCTCAGC[A>AGT]GTGGTGAGTGATGCTGAGCTTTTCCTAGGATGTATCGAAGTTGTTGTACAAGAAACCATC-3'